The following is an entry in ClinVar:

ClinVar aggregate classification (germline): Uncertain significance (1 of 4 stars; one submission).

Allele frequency attached by ClinVar (database versions not stated): gnomAD exomes 0.00002; ExAC 0.00004; TOPMed 0.00001.

Submission:

Labcorp Genetics (formerly Invitae), Labcorp
Classification: Uncertain significance. Last evaluated: 2022-08-22. Review status: criteria provided, single submitter. Criteria: Invitae Variant Classification Sherloc (09022015). Collection method: clinical testing. Allele origin: germline.
Comment: In summary, the available evidence is currently insufficient to determine the role of this variant in disease. Therefore, it has been classified as a Variant of Uncertain Significance. Algorithms developed to predict the effect of missense changes on protein structure and function (SIFT, PolyPhen-2, Align-GVGD) all suggest that this variant is likely to be disruptive. This variant has not been reported in the literature in individuals affected with MPDZ-related conditions. This variant is present in population databases (rs763572102, gnomAD 0.04%). This sequence change replaces asparagine, which is neutral and polar, with serine, which is neutral and polar, at codon 383 of the MPDZ protein (p.Asn383Ser).

NM_001378778.1(MPDZ):c.1148A>G (p.Asn383Ser)

Gene: MPDZ (multiple PDZ domain crumbs cell polarity complex component; minus strand). Cytogenetic location: 9p23.
Variant type: single nucleotide variant.
Coding change: c.1148A>G on transcript NM_001378778.1 (MANE Select); coding-DNA position 1148, A replaced by G.
Protein change: p.Asn383Ser; replaces asparagine 383 with serine.
Molecular consequence: missense variant.
Genome position (GRCh38, 1-based): chr9:13,217,233, T>C on the plus strand (A>G on the coding strand, the complement: MPDZ is on the minus strand). VCF-style: chr9-13217233-T-C. GRCh37 (hg19) VCF-style: chr9-13217232-T-C.
Other names: c.1148A>G, p.Asn383Ser (NM_001261406.2, NM_001261407.2, NM_001330637.2 and 14 more transcripts); short protein forms N383S.
Identifiers: ClinVar variation 1906941 (VCV001906941.5), dbSNP rs763572102, ClinGen allele CA4987883.
Genomic context (GRCh38, chr9:13,217,233, plus strand): 5'-AAATTACCCAATTTTTTATCTCCAATGTAGCCAGCAATGGTAATTCCTAATCCTTGGACA[T>C]TTTTAGTGAGTTCTACATCAAATGTCTCACTTTCTTCACCTTTCTGAGTAGAAGCATCAA-3'
Protein context (NP_001365707.1, residues 373-393): SETFDVELTK[Asn383Ser]VQGLGITIAG